The following is an entry in ClinVar:

NM_004525.3(LRP2):c.7588G>A (p.Ala2530Thr)

Gene: LRP2 (LDL receptor related protein 2; minus strand). Cytogenetic location: 2q31.1.
Variant type: single nucleotide variant.
Coding change: c.7588G>A on transcript NM_004525.3 (MANE Select); coding-DNA position 7588, G replaced by A.
Protein change: p.Ala2530Thr; replaces alanine 2530 with threonine.
Molecular consequence: missense variant.
Genome position (GRCh38, 1-based): chr2:169,205,606, C>T on the plus strand (G>A on the coding strand, the complement: LRP2 is on the minus strand). VCF-style: chr2-169205606-C-T. GRCh37 (hg19) VCF-style: chr2-170062116-C-T.
Other names: short protein forms A2530T.
Identifiers: ClinVar variation 3390593 (VCV003390593.1).

ClinVar aggregate classification (germline): Uncertain significance (1 of 4 stars; one submission).

gnomAD v4.1: 2 of 1,613,596 alleles (0.00012%); highest among the groups gnomAD compares: Non-Finnish European, 0.00017%; no homozygotes.

Submission:

GeneDx
Classification: Uncertain significance. Last evaluated: 2024-06-11. Review status: criteria provided, single submitter. Criteria: GeneDx Variant Classification Process June 2021. Collection method: clinical testing. Allele origin: germline. Affected: yes.
Comment: Not observed at significant frequency in large population cohorts (gnomAD); In silico analysis indicates that this missense variant does not alter protein structure/function; Has not been previously published as pathogenic or benign to our knowledge; This variant is associated with the following publications: (PMID: 27535533)